The following is an entry in ClinVar:

NM_020831.6(MRTFA):c.2449C>T (p.Pro817Ser)

Gene: MRTFA (myocardin related transcription factor A; minus strand). Cytogenetic location: 22q13.1.
Variant type: single nucleotide variant.
Coding change: c.2449C>T on transcript NM_020831.6 (MANE Select); coding-DNA position 2449, C replaced by T.
Protein change: p.Pro817Ser; replaces proline 817 with serine.
Molecular consequence: missense variant.
Genome position (GRCh38, 1-based): chr22:40,417,409, G>A on the plus strand (C>T on the coding strand, the complement: MRTFA is on the minus strand). VCF-style: chr22-40417409-G-A. GRCh37 (hg19) VCF-style: chr22-40813413-G-A.
Other names: c.2149C>T (NM_020831.3); c.2149C>T, p.Pro717Ser (NM_001282660.2); c.2299C>T, p.Pro767Ser (NM_001282661.3); c.2449C>T, p.Pro817Ser (NM_001282662.3); c.2254C>T, p.Pro752Ser (NM_001318139.2); short protein forms P717S, P752S, P767S, P817S.
Identifiers: ClinVar variation 1682951 (VCV001682951.9), dbSNP rs145757367, ClinGen allele CA10249328.
Genomic context (GRCh38, chr22:40,417,409, plus strand): 5'-TGGGCTGCTGGCTCATGGCTTCCTCATAGCCAGGTGGTTCCTTCTTCAGCAGAGAAGTGG[G>A]GGTCCCAAAGAGGGGCTGCAGTGGGTGCTCCAGGTCCATCTGGGCAGAGGGGGCAGGCGC-3'
Protein context (NP_065882.2, residues 807-827): EHPLQPLFGT[Pro817Ser]TSLLKKEPPG

ClinVar aggregate classification (germline): Uncertain significance. Review status: criteria provided, multiple submitters, no conflicts (2 of 4 stars). 2 submissions from 2 submitters: Uncertain significance (2). Last evaluated 2025-12-15.

Allele frequency attached by ClinVar (database versions not stated): TOPMed 0.00022; gnomAD 0.00034 and 0.00036; ESP Exome Variant Server 0.00046; gnomAD exomes 0.00048; ExAC 0.00064.
gnomAD v4.1: 824 of 1,610,912 alleles (0.051%); highest among the groups gnomAD compares: Non-Finnish European, 0.062%; no homozygotes.

Submissions (2):

Labcorp Genetics (formerly Invitae), Labcorp
Classification: Uncertain significance. Last evaluated: 2025-12-15. Review status: criteria provided, single submitter. Criteria: Invitae Variant Classification Sherloc (09022015). Collection method: clinical testing. Allele origin: germline.
Comment: This sequence change replaces proline, which is neutral and non-polar, with serine, which is neutral and polar, at codon 717 of the MKL1 protein (p.Pro717Ser). This variant is present in population databases (rs145757367, gnomAD 0.09%), and has an allele count higher than expected for a pathogenic variant. This variant has not been reported in the literature in individuals affected with MKL1-related conditions. ClinVar contains an entry for this variant (Variation ID: 1682951). An algorithm developed to predict the effect of missense changes on protein structure and function outputs the following: PolyPhen-2: "Benign". The serine amino acid residue is found in multiple mammalian species, which suggests that this missense change does not adversely affect protein function. In summary, the available evidence is currently insufficient to determine the role of this variant in disease. Therefore, it has been classified as a Variant of Uncertain Significance.

Ambry Genetics
Classification: Uncertain significance. Last evaluated: 2025-08-23. Review status: criteria provided, single submitter. Criteria: Ambry Variant Classification Scheme 2023. Collection method: clinical testing. Allele origin: germline.